The following is an entry in ClinVar:

ClinVar aggregate classification (germline): Uncertain significance (1 of 4 stars; one submission).

Conditions:
Curry-Hall syndrome (WAD). Also called: WEYERS ACRODENTAL DYSOSTOSIS. Identifiers: Orphanet 952, MedGen C0457013, MONDO:0008673, OMIM 193530.
Ellis-van Creveld syndrome (EVC). Also called: EVC-Related Ellis-van Creveld Syndrome; EVC2-Related Ellis-van Creveld Syndrome; MESOECTODERMAL DYSPLASIA; Chondroectodermal dysplasia. Identifiers: Orphanet 289, MedGen C0013903, MONDO:0009162, OMIM 225500.

gnomAD v4.1: 1 of 1,614,136 alleles (0.000062%); highest among the groups gnomAD compares: Non-Finnish European, 0.000085%; no homozygotes.

Submission:

Labcorp Genetics (formerly Invitae), Labcorp
Classification: Uncertain significance for Curry-Hall syndrome; Ellis-van Creveld syndrome. Last evaluated: 2024-08-21. Review status: criteria provided, single submitter. Criteria: Invitae Variant Classification Sherloc (09022015). Collection method: clinical testing. Allele origin: germline.
Comment: This sequence change replaces arginine, which is basic and polar, with glycine, which is neutral and non-polar, at codon 399 of the EVC2 protein (p.Arg399Gly). This variant is not present in population databases (gnomAD no frequency). This variant has not been reported in the literature in individuals affected with EVC2-related conditions. An algorithm developed to predict the effect of missense changes on protein structure and function (PolyPhen-2) suggests that this variant is likely to be disruptive. In summary, the available evidence is currently insufficient to determine the role of this variant in disease. Therefore, it has been classified as a Variant of Uncertain Significance.

NM_147127.5(EVC2):c.1195C>G (p.Arg399Gly)

Genes: EVC2 (EvC ciliary complex subunit 2; minus strand), LOC126806961 (BRD4-independent group 4 enhancer GRCh37_chr4:5641443-5642642; plus strand). Cytogenetic location: 4p16.2.
Variant type: single nucleotide variant.
Coding change: c.1195C>G on transcript NM_147127.5 (MANE Select); coding-DNA position 1195, C replaced by G.
Protein change: p.Arg399Gly; replaces arginine 399 with glycine.
Molecular consequence: missense variant.
Genome position (GRCh38, 1-based): chr4:5,640,789, G>C on the plus strand (C>G on the coding strand, the complement: EVC2 is on the minus strand). VCF-style: chr4-5640789-G-C. GRCh37 (hg19) VCF-style: chr4-5642516-G-C.
Other names: c.955C>G, p.Arg319Gly (NM_001166136.2); short protein forms R319G, R399G.
Identifiers: ClinVar variation 3752828 (VCV003752828.2).
Genomic context (GRCh38, chr4:5,640,789, plus strand): 5'-GGCCACTGCTGGTGAGATTTTTCAGCAGAAGGGCAATGATATCCTTGCTGATTTGTGTTC[G>C]ACAAGCCTCCAGATCTGCATCTGCCCGATTCAGGGTTGCAATCTCCAACCTAGGAAACAC-3'
Protein context (NP_667338.3, residues 389-409): NRADADLEAC[Arg399Gly]TQISKDIIAL